The following is an entry in ClinVar:

ClinVar aggregate classification (germline): Uncertain significance. Review status: criteria provided, multiple submitters, no conflicts (2 of 4 stars). 4 submissions from 4 submitters: Uncertain significance (4). Last evaluated 2025-12-12.

Conditions:
Inborn genetic diseases. Identifiers: MedGen C0950123, MeSH D030342.

Allele frequency attached by ClinVar (database versions not stated): ExAC 0.00001; gnomAD 0.00001; gnomAD exomes 0.00001 and 0.00002; TOPMed 0.00001.
gnomAD v4.1: 8 of 1,614,082 alleles (0.0005%); highest among the groups gnomAD compares: Admixed American, 0.013%; no homozygotes.

Submissions (4):

Women's Health and Genetics/Laboratory Corporation of America, LabCorp
Classification: Uncertain significance. Last evaluated: 2025-12-12. Review status: criteria provided, single submitter. Criteria: LabCorp Variant Classification Summary - May 2015. Collection method: clinical testing. Allele origin: germline.
Comment: Variant summary: ANK3 c.4862C>T (p.Ser1621Phe) results in a non-conservative amino acid change in the encoded protein sequence. Algorithms developed to predict the effect of missense changes on protein structure and function are either unavailable or do not agree on the potential impact of this missense change. The variant allele was found at a frequency of 2.4e-05 in 250938 control chromosomes. The available data on variant occurrences in the general population are insufficient to allow any conclusion about variant significance. To our knowledge, no occurrence of c.4862C>T in individuals affected with ANK3-related conditions and no experimental evidence demonstrating its impact on protein function have been reported. ClinVar contains an entry for this variant (Variation ID: 1429522). Based on the evidence outlined above, the variant was classified as uncertain significance.

Ambry Genetics
Classification: Uncertain significance for Inborn genetic diseases. Last evaluated: 2025-09-22. Review status: criteria provided, single submitter. Criteria: Ambry Variant Classification Scheme 2023. Collection method: clinical testing. Allele origin: germline.

GeneDx
Classification: Uncertain significance. Last evaluated: 2025-04-29. Review status: criteria provided, single submitter. Criteria: GeneDx Variant Classification Process June 2021. Collection method: clinical testing. Allele origin: germline. Affected: yes.
Comment: In silico analysis indicates that this missense variant does not alter protein structure/function; Has not been previously published as pathogenic or benign in association with an ANK3-related disorder to our knowledge; This variant is associated with the following publications: (PMID: 31663663)

Labcorp Genetics (formerly Invitae), Labcorp
Classification: Uncertain significance. Last evaluated: 2021-11-23. Review status: criteria provided, single submitter. Criteria: Invitae Variant Classification Sherloc (09022015). Collection method: clinical testing. Allele origin: germline.
Comment: In summary, the available evidence is currently insufficient to determine the role of this variant in disease. Therefore, it has been classified as a Variant of Uncertain Significance. Algorithms developed to predict the effect of missense changes on protein structure and function are either unavailable or do not agree on the potential impact of this missense change (SIFT: "Not Available"; PolyPhen-2: "Benign"; Align-GVGD: "Not Available"). This variant has not been reported in the literature in individuals affected with ANK3-related conditions. This variant is present in population databases (rs753360050, gnomAD 0.02%). This sequence change replaces serine, which is neutral and polar, with phenylalanine, which is neutral and non-polar, at codon 1621 of the ANK3 protein (p.Ser1621Phe).

NM_020987.5(ANK3):c.4862C>T (p.Ser1621Phe)

Gene: ANK3 (ankyrin 3; minus strand). Cytogenetic location: 10q21.2.
Variant type: single nucleotide variant.
Coding change: c.4862C>T on transcript NM_020987.5 (MANE Select); coding-DNA position 4862, C replaced by T.
Protein change: p.Ser1621Phe; replaces serine 1621 with phenylalanine.
Molecular consequence: missense variant. On other transcripts: intron variant (4).
Genome position (GRCh38, 1-based): chr10:60,076,019, G>A on the plus strand (C>T on the coding strand, the complement: ANK3 is on the minus strand). VCF-style: chr10-60076019-G-A. GRCh37 (hg19) VCF-style: chr10-61835777-G-A.
Other names: c.4387+4518C>T (NM_001204403.2); c.4408+4518C>T (NM_001204404.2); c.4405+4518C>T (NM_001320874.2); c.1807+4518C>T (NM_001149.4); c.4862C>T (NM_020987.3); short protein forms S1621F.
Identifiers: ClinVar variation 1429522 (VCV001429522.9), dbSNP rs753360050, ClinGen allele CA5512097.